The following is an entry in ClinVar:

NM_005560.6(LAMA5):c.9892G>A (p.Ala3298Thr)

Gene: LAMA5 (laminin subunit alpha 5; minus strand). Cytogenetic location: 20q13.33.
Variant type: single nucleotide variant.
Coding change: c.9892G>A on transcript NM_005560.6 (MANE Select); coding-DNA position 9892, G replaced by A.
Protein change: p.Ala3298Thr; replaces alanine 3298 with threonine.
Molecular consequence: missense variant.
Genome position (GRCh38, 1-based): chr20:62,311,451, C>T on the plus strand (G>A on the coding strand, the complement: LAMA5 is on the minus strand). VCF-style: chr20-62311451-C-T. GRCh37 (hg19) VCF-style: chr20-60886507-C-T.
Other names: c.9892G>A (NM_005560.3); short protein forms A3298T.
Identifiers: ClinVar variation 2163941 (VCV002163941.6), dbSNP rs376319946, ClinGen allele CA9940013.
Genomic context (GRCh38, chr20:62,311,451, plus strand): 5'-GGGTGCCCACCTTCCGGGCGGTGGCCTGCAGTCCTCTAGGCCCCAGGCCCGGGGTCTGGG[C>T]TTGCAGGGCGGGTGCACAGCCCGTGCTCACATTGACGCTGCCCAGGTTCTGCTGCAGATC-3'
Protein context (NP_005551.3, residues 3288-3308): VSTGCAPALQ[Ala3298Thr]QTPGLGPRGL

ClinVar aggregate classification (germline): Conflicting classifications of pathogenicity. Review status: criteria provided, conflicting classifications (1 of 4 stars). 2 submissions from 2 submitters: Uncertain significance (1); Likely benign (1). Last evaluated 2025-10-21.

Conditions:
Inborn genetic diseases. Identifiers: MedGen C0950123, MeSH D030342.

Allele frequency attached by ClinVar (database versions not stated): ESP Exome Variant Server 0.00008; ExAC 0.00014; 1000 Genomes Project 30x 0.00016; 1000 Genomes Project 0.00020; gnomAD 0.00021; TOPMed 0.00023.

Submissions (2):

Labcorp Genetics (formerly Invitae), Labcorp
Classification: Uncertain significance. Last evaluated: 2025-10-21. Review status: criteria provided, single submitter. Criteria: Invitae Variant Classification Sherloc (09022015). Collection method: clinical testing. Allele origin: germline.
Comment: This sequence change replaces alanine, which is neutral and non-polar, with threonine, which is neutral and polar, at codon 3298 of the LAMA5 protein (p.Ala3298Thr). This variant is present in population databases (rs376319946, gnomAD 0.08%). This variant has not been reported in the literature in individuals affected with LAMA5-related conditions. ClinVar contains an entry for this variant (Variation ID: 2163941). An algorithm developed to predict the effect of missense changes on protein structure and function outputs the following: PolyPhen-2: "Benign". The threonine amino acid residue is found in multiple mammalian species, which suggests that this missense change does not adversely affect protein function. In summary, the available evidence is currently insufficient to determine the role of this variant in disease. Therefore, it has been classified as a Variant of Uncertain Significance.

Ambry Genetics
Classification: Likely benign for Inborn genetic diseases. Last evaluated: 2023-03-07. Review status: criteria provided, single submitter. Criteria: Ambry Variant Classification Scheme 2023. Collection method: clinical testing. Allele origin: germline.